The following is an entry in ClinVar:

ClinVar aggregate classification (germline): Uncertain significance (1 of 4 stars; one submission).

Submission:

Labcorp Genetics (formerly Invitae), Labcorp
Classification: Uncertain significance. Last evaluated: 2024-11-18. Review status: criteria provided, single submitter. Criteria: Invitae Variant Classification Sherloc (09022015). Collection method: clinical testing. Allele origin: germline.
Comment: This sequence change replaces leucine, which is neutral and non-polar, with phenylalanine, which is neutral and non-polar, at codon 96 of the APPL1 protein (p.Leu96Phe). This variant is present in population databases (no rsID available, gnomAD 0.006%). This variant has not been reported in the literature in individuals affected with APPL1-related conditions. An algorithm developed to predict the effect of missense changes on protein structure and function (PolyPhen-2) suggests that this variant is likely to be disruptive. In summary, the available evidence is currently insufficient to determine the role of this variant in disease. Therefore, it has been classified as a Variant of Uncertain Significance.

NM_012096.3(APPL1):c.286C>T (p.Leu96Phe)

Gene: APPL1 (adaptor protein, phosphotyrosine interacting with PH domain and leucine zipper 1; plus strand). Cytogenetic location: 3p14.3.
Variant type: single nucleotide variant.
Coding change: c.286C>T on transcript NM_012096.3 (MANE Select); coding-DNA position 286, C replaced by T.
Protein change: p.Leu96Phe; replaces leucine 96 with phenylalanine.
Molecular consequence: missense variant.
Genome position (GRCh38, 1-based): chr3:57,240,465, C>T. VCF-style: chr3-57240465-C-T. GRCh37 (hg19) VCF-style: chr3-57274493-C-T.
Other names: short protein forms L96F.
Identifiers: ClinVar variation 3687539 (VCV003687539.2).